The following is an entry in ClinVar:

NM_000489.6(ATRX):c.2168A>T (p.Glu723Val)

Gene: ATRX (ATRX chromatin remodeler; minus strand). Cytogenetic location: Xq21.1.
Variant type: single nucleotide variant.
Coding change: c.2168A>T on transcript NM_000489.6 (MANE Select); coding-DNA position 2168, A replaced by T.
Protein change: p.Glu723Val; replaces glutamic acid 723 with valine.
Molecular consequence: missense variant.
Genome position (GRCh38, 1-based): chrX:77,683,088, T>A on the plus strand (A>T on the coding strand, the complement: ATRX is on the minus strand). VCF-style: chrX-77683088-T-A. GRCh37 (hg19) VCF-style: chrX-76938580-T-A.
Other names: c.2054A>T, p.Glu685Val (NM_138270.5); short protein forms E685V, E723V.
Identifiers: ClinVar variation 3634995 (VCV003634995.2).

ClinVar aggregate classification (germline): Uncertain significance (1 of 4 stars; one submission).

Conditions:
Alpha thalassemia-X-linked intellectual disability syndrome (ATRX). Also called: ALPHA-THALASSEMIA/MENTAL RETARDATION SYNDROME, X-LINKED; ATR, NONDELETION TYPE; ATR-X syndrome; Alpha thalassemia mental retardation syndrome, nondeletion type, X-linked; XLMR hypotonic face syndrome; X-linked alpha-thalassemia-mental retardation syndrome. Identifiers: Orphanet 847, MedGen C1845055, MONDO:0010519, OMIM 301040.

Submission:

Labcorp Genetics (formerly Invitae), Labcorp
Classification: Uncertain significance for Alpha thalassemia-X-linked intellectual disability syndrome. Last evaluated: 2025-01-20. Review status: criteria provided, single submitter. Criteria: Invitae Variant Classification Sherloc (09022015). Collection method: clinical testing. Allele origin: germline.
Comment: This sequence change replaces glutamic acid, which is acidic and polar, with valine, which is neutral and non-polar, at codon 723 of the ATRX protein (p.Glu723Val). This variant is not present in population databases (gnomAD no frequency). This variant has not been reported in the literature in individuals affected with ATRX-related conditions. Invitae Evidence Modeling of protein sequence and biophysical properties (such as structural, functional, and spatial information, amino acid conservation, physicochemical variation, residue mobility, and thermodynamic stability) indicates that this missense variant is not expected to disrupt ATRX protein function with a negative predictive value of 95%. In summary, the available evidence is currently insufficient to determine the role of this variant in disease. Therefore, it has been classified as a Variant of Uncertain Significance.